The following is an entry in ClinVar:

ClinVar aggregate classification (germline): Uncertain significance (1 of 4 stars; one submission).

Submission:

GeneDx
Classification: Uncertain significance. Last evaluated: 2024-09-09. Review status: criteria provided, single submitter. Criteria: GeneDx Variant Classification Process June 2021. Collection method: clinical testing. Allele origin: germline. Affected: yes.
Comment: Not observed at significant frequency in large population cohorts (gnomAD); In silico analysis supports that this missense variant has a deleterious effect on protein structure/function; Has not been previously published as pathogenic or benign to our knowledge

NM_012154.5(AGO2):c.977C>T (p.Pro326Leu)

Genes: AGO2 (argonaute RISC catalytic component 2; minus strand), LOC126860544 (MED14-independent group 3 enhancer GRCh37_chr8:141567119-141568318; plus strand). Cytogenetic location: 8q24.3.
Variant type: single nucleotide variant.
Coding change: c.977C>T on transcript NM_012154.5 (MANE Select); coding-DNA position 977, C replaced by T.
Protein change: p.Pro326Leu; replaces proline 326 with leucine.
Molecular consequence: missense variant.
Genome position (GRCh38, 1-based): chr8:140,557,138, G>A on the plus strand (C>T on the coding strand, the complement: AGO2 is on the minus strand). VCF-style: chr8-140557138-G-A. GRCh37 (hg19) VCF-style: chr8-141567237-G-A.
Other names: c.977C>T, p.Pro326Leu (NM_001164623.3); short protein forms P326L.
Identifiers: ClinVar variation 3767442 (VCV003767442.1).